The following is an entry in ClinVar:

NM_201384.3(PLEC):c.9164T>C (p.Val3055Ala)

Gene: PLEC (plectin; minus strand). Cytogenetic location: 8q24.3.
Variant type: single nucleotide variant.
Coding change: c.9164T>C on transcript NM_201384.3 (MANE Select); coding-DNA position 9164, T replaced by C.
Protein change: p.Val3055Ala; replaces valine 3055 with alanine.
Molecular consequence: missense variant.
Genome position (GRCh38, 1-based): chr8:143,920,657, A>G on the plus strand (T>C on the coding strand, the complement: PLEC is on the minus strand). VCF-style: chr8-143920657-A-G. GRCh37 (hg19) VCF-style: chr8-144994825-A-G.
Other names: c.9245T>C, p.Val3082Ala (NM_000445.5); c.5864T>C, p.Val1955Ala (NM_001410941.1); c.9122T>C, p.Val3041Ala (NM_201378.4); c.9098T>C, p.Val3033Ala (NM_201379.3); c.9575T>C, p.Val3192Ala (NM_201380.4); c.9068T>C, p.Val3023Ala (NM_201381.3); c.9164T>C, p.Val3055Ala (NM_201382.4); c.9176T>C, p.Val3059Ala (NM_201383.3); short protein forms V1955A, V3082A, V3023A, V3055A, V3059A, V3033A, V3192A, V3041A.
Identifiers: ClinVar variation 4997982 (VCV004997982.1).

ClinVar aggregate classification (germline): Uncertain significance (1 of 4 stars; one submission).

Conditions:
PLEC-related disorder. Also called: PLEC-related disorders; PLEC-related condition.

gnomAD v4.1: 1 of 1,604,372 alleles (0.000062%); highest among the groups gnomAD compares: Admixed American, 0.0017%; no homozygotes.

Submission:

PreventionGenetics, part of Exact Sciences
Classification: Uncertain significance for PLEC-related condition. Last evaluated: 2026-02-16. Review status: criteria provided, single submitter. Criteria: ACMG Guidelines, 2015. Collection method: clinical testing. Allele origin: germline.
Comment: The PLEC c.9245T>C variant is predicted to result in the amino acid substitution p.Val3082Ala. To our knowledge, this variant has not been reported in the literature. This variant is reported in 0.0029% of alleles in individuals of Latino descent in gnomAD. At this time, the clinical significance of this variant is uncertain due to the absence of conclusive functional and genetic evidence.